The following is an entry in ClinVar:

ClinVar aggregate classification (germline): Likely benign. Review status: criteria provided, multiple submitters, no conflicts (2 of 4 stars). 4 submissions from 4 submitters: Likely benign (3). 1 of the submissions does not count toward it. Last evaluated 2025-12-06.

Conditions:
EVC2-related disorder. Also called: EVC2-related condition.
Curry-Hall syndrome (WAD). Also called: WEYERS ACRODENTAL DYSOSTOSIS. Identifiers: Orphanet 952, MedGen C0457013, MONDO:0008673, OMIM 193530.
Ellis-van Creveld syndrome (EVC). Also called: Chondroectodermal dysplasia; MESOECTODERMAL DYSPLASIA. Identifiers: Orphanet 289, MedGen C0013903, MONDO:0009162, OMIM 225500.

Allele frequency attached by ClinVar (database versions not stated): gnomAD 0.00002 and 0.00019; gnomAD exomes 0.00004 and 0.00011; ExAC 0.00005; 1000 Genomes Project 30x 0.00016; 1000 Genomes Project 0.00020; TOPMed 0.00024.
gnomAD v4.1: 86 of 1,614,142 alleles (0.0053%); highest among the groups gnomAD compares: Admixed American, 0.037%; no homozygotes.

Submissions (4):

Labcorp Genetics (formerly Invitae), Labcorp
Classification: Likely benign for Curry-Hall syndrome; Ellis-van Creveld syndrome. Last evaluated: 2025-12-06. Review status: criteria provided, single submitter. Criteria: Invitae Variant Classification Sherloc (09022015). Collection method: clinical testing. Allele origin: germline.

Blueprint Genetics
Classification: Likely benign. Last evaluated: 2024-06-28. Review status: criteria provided, single submitter. Criteria: ACMG Guidelines, 2015. Collection method: clinical testing. Allele origin: germline.

CeGaT Center for Human Genetics Tuebingen
Classification: Likely benign. Last evaluated: 2021-12-01. Review status: criteria provided, single submitter. Criteria: CeGaT Center For Human Genetics Tuebingen Variant Classification Criteria Version 2. Collection method: clinical testing. Allele origin: germline. Affected: yes. Observed: 1 variant allele.

PreventionGenetics, part of Exact Sciences
Classification: Likely benign for EVC2-related condition. Last evaluated: 2023-03-16. Review status: no assertion criteria provided. Collection method: clinical testing. Allele origin: germline. Not counted in ClinVar's aggregate classification.
Comment: This variant is classified as likely benign based on ACMG/AMP sequence variant interpretation guidelines (Richards et al. 2015 PMID: 25741868, with internal and published modifications).

NM_147127.5(EVC2):c.2958C>T (p.Thr986=)

Gene: EVC2 (EvC ciliary complex subunit 2; minus strand). Cytogenetic location: 4p16.2.
Variant type: single nucleotide variant.
Coding change: c.2958C>T on transcript NM_147127.5 (MANE Select); coding-DNA position 2958, C replaced by T.
Protein change: p.Thr986=; no amino-acid change (threonine 986 retained).
Molecular consequence: synonymous variant.
Genome position (GRCh38, 1-based): chr4:5,584,722, G>A on the plus strand (C>T on the coding strand, the complement: EVC2 is on the minus strand). VCF-style: chr4-5584722-G-A. GRCh37 (hg19) VCF-style: chr4-5586449-G-A.
Other names: c.2718C>T, p.Thr906= (NM_001166136.2).
Identifiers: ClinVar variation 767170 (VCV000767170.47), dbSNP rs567792423, ClinGen allele CA2834504.
Genomic context (GRCh38, chr4:5,584,722, plus strand): 5'-GGTCAGCATCTCAGATGCACTCAGCTCTTCCAGGAGCAAGTCCTGGATGCTGAGGAGGGC[G>A]GTGTAGGCCGACAGAGTCTCGGTCACCCGGGACGCCTTCTGGAACTGCAGAGCAACAAGC-3'
Protein context (NP_667338.3, residues 976-996): SRVTETLSAY[Thr986=]ALLSIQDLLL